The following is an entry in ClinVar:

ClinVar aggregate classification (germline): Uncertain significance (1 of 4 stars; one submission).

Submission:

Ambry Genetics
Classification: Uncertain significance. Last evaluated: 2026-08-08. Review status: criteria provided, single submitter. Criteria: Ambry Variant Classification Scheme 2023. Collection method: clinical testing. Allele origin: germline.
Comment: The p.A393G variant (also known as c.1178C>G), located in coding exon 1 of the MLH3 gene, results from a C to G substitution at nucleotide position 1178. The alanine at codon 393 is replaced by glycine, an amino acid with similar properties. This amino acid position is conserved. In addition, the in silico prediction for this alteration is inconclusive. Based on the available evidence, the clinical significance of this variant remains unclear.

NM_001040108.2(MLH3):c.1178C>G (p.Ala393Gly)

Gene: MLH3 (mutL homolog 3; minus strand). Cytogenetic location: 14q24.3.
Variant type: single nucleotide variant.
Coding change: c.1178C>G on transcript NM_001040108.2 (MANE Select); coding-DNA position 1178, C replaced by G.
Protein change: p.Ala393Gly; replaces alanine 393 with glycine.
Molecular consequence: missense variant.
Genome position (GRCh38, 1-based): chr14:75,048,478, G>C on the plus strand (C>G on the coding strand, the complement: MLH3 is on the minus strand). VCF-style: chr14-75048478-G-C. GRCh37 (hg19) VCF-style: chr14-75515181-G-C.
Other names: c.1178C>G, p.Ala393Gly (NM_014381.3); short protein forms A393G.
Identifiers: ClinVar variation 5024619 (VCV005024619.1).